The following is an entry in ClinVar:

ClinVar aggregate classification (germline): Benign. Review status: criteria provided, multiple submitters, no conflicts (2 of 4 stars). 7 submissions from 7 submitters: Benign (7). Last evaluated 2026-02-03.

Conditions:
Multiple congenital anomalies-hypotonia-seizures syndrome 2 (MCAHS2). Also called: EPILEPTIC ENCEPHALOPATHY, EARLY INFANTILE, 20; GLYCOSYLPHOSPHATIDYLINOSITOL BIOSYNTHESIS DEFECT 4. Identifiers: Orphanet 300496, MedGen C3275508, MONDO:0010466, OMIM 300868.
Inborn genetic diseases. Identifiers: MedGen C0950123, MeSH D030342.

Allele frequency attached by ClinVar (database versions not stated): 1000 Genomes Project 0.02464; 1000 Genomes Project 30x 0.02518; gnomAD exomes 0.03011 and 0.03497; gnomAD 0.03081 and 0.03093; ExAC 0.03166; TOPMed 0.03188; ESP Exome Variant Server 0.03304.
gnomAD v4.1: 41,828 of 1,208,937 alleles (3.5%); highest among the groups gnomAD compares: Middle Eastern, 4.1%; 580 homozygotes.

Submissions 1 to 31 of 86:

Labcorp Genetics (formerly Invitae), Labcorp
Classification: Benign for Multiple congenital anomalies-hypotonia-seizures syndrome 2. Last evaluated: 2026-02-03. Review status: criteria provided, single submitter. Criteria: Invitae Variant Classification Sherloc (09022015). Collection method: clinical testing. Allele origin: germline.

Blueprint Genetics
Classification: Benign. Last evaluated: 2024-11-28. Review status: criteria provided, single submitter. Criteria: ACMG Guidelines, 2015. Collection method: clinical testing. Allele origin: germline.

Mayo Clinic Laboratories, Mayo Clinic
Classification: Benign. Last evaluated: 2023-11-02. Review status: criteria provided, single submitter. Criteria: ACMG Guidelines, 2015. Collection method: clinical testing. Allele origin: germline. Observed: 39 variant alleles.

Athena Diagnostics
Classification: Benign. Last evaluated: 2017-08-31. Review status: criteria provided, single submitter. Criteria: Athena Diagnostics Criteria. Collection method: clinical testing. Allele origin: germline.

Ambry Genetics
Classification: Benign for Inborn genetic diseases. Last evaluated: 2016-04-27. Review status: criteria provided, single submitter. Criteria: Ambry Variant Classification Scheme 2023. Collection method: clinical testing. Allele origin: germline.

GeneDx
Classification: Benign. Last evaluated: 2016-01-15. Review status: criteria provided, single submitter. Criteria: GeneDx Variant Classification (06012015). Collection method: clinical testing. Allele origin: germline. Affected: yes.
Comment: This variant is considered likely benign or benign based on one or more of the following criteria: it is a conservative change, it occurs at a poorly conserved position in the protein, it is predicted to be benign by multiple in silico algorithms, and/or has population frequency not consistent with disease.

Breakthrough Genomics
Classification: Benign. Review status: criteria provided, single submitter. Criteria: ACMG Guidelines, 2015. Collection method: not provided. Allele origin: germline. Inheritance: X-linked inheritance. Affected: yes.

Dr. Peter K. Rogan Lab, Western University
No classification provided (evidence only). Condition: Melanoma. Review status: no classification provided. Collection method: in vitro. Allele origin: not applicable. Functional consequence: retained intron. Not counted in ClinVar's aggregate classification.

Dr. Peter K. Rogan Lab, Western University
No classification provided (evidence only). Condition: Melanoma. Review status: no classification provided. Collection method: in vitro. Allele origin: not applicable. Functional consequence: retained intron. Not counted in ClinVar's aggregate classification.

Dr. Peter K. Rogan Lab, Western University
No classification provided (evidence only). Condition: Melanoma. Review status: no classification provided. Collection method: in vitro. Allele origin: not applicable. Functional consequence: retained intron. Not counted in ClinVar's aggregate classification.

Dr. Peter K. Rogan Lab, Western University
No classification provided (evidence only). Condition: Melanoma. Review status: no classification provided. Collection method: in vitro. Allele origin: not applicable. Functional consequence: retained intron. Not counted in ClinVar's aggregate classification.

Dr. Peter K. Rogan Lab, Western University
No classification provided (evidence only). Condition: Melanoma. Review status: no classification provided. Collection method: in vitro. Allele origin: not applicable. Functional consequence: retained intron. Not counted in ClinVar's aggregate classification.

Dr. Peter K. Rogan Lab, Western University
No classification provided (evidence only). Condition: Melanoma. Review status: no classification provided. Collection method: in vitro. Allele origin: not applicable. Functional consequence: retained intron. Not counted in ClinVar's aggregate classification.

Dr. Peter K. Rogan Lab, Western University
No classification provided (evidence only). Condition: Melanoma. Review status: no classification provided. Collection method: in vitro. Allele origin: not applicable. Functional consequence: retained intron. Not counted in ClinVar's aggregate classification.

Dr. Peter K. Rogan Lab, Western University
No classification provided (evidence only). Condition: Melanoma. Review status: no classification provided. Collection method: in vitro. Allele origin: not applicable. Functional consequence: retained intron. Not counted in ClinVar's aggregate classification.

Dr. Peter K. Rogan Lab, Western University
No classification provided (evidence only). Condition: Melanoma. Review status: no classification provided. Collection method: in vitro. Allele origin: not applicable. Functional consequence: retained intron. Not counted in ClinVar's aggregate classification.

Dr. Peter K. Rogan Lab, Western University
No classification provided (evidence only). Condition: Melanoma. Review status: no classification provided. Collection method: in vitro. Allele origin: not applicable. Functional consequence: retained intron. Not counted in ClinVar's aggregate classification.

Dr. Peter K. Rogan Lab, Western University
No classification provided (evidence only). Condition: Melanoma. Review status: no classification provided. Collection method: in vitro. Allele origin: not applicable. Functional consequence: retained intron. Not counted in ClinVar's aggregate classification.

Dr. Peter K. Rogan Lab, Western University
No classification provided (evidence only). Condition: Familial cancer of breast. Review status: no classification provided. Collection method: in vitro. Allele origin: not applicable. Functional consequence: retained intron. Not counted in ClinVar's aggregate classification.

Dr. Peter K. Rogan Lab, Western University
No classification provided (evidence only). Condition: Acute myeloid leukemia. Review status: no classification provided. Collection method: in vitro. Allele origin: not applicable. Functional consequence: retained intron. Not counted in ClinVar's aggregate classification.

Dr. Peter K. Rogan Lab, Western University
No classification provided (evidence only). Condition: Acute myeloid leukemia. Review status: no classification provided. Collection method: in vitro. Allele origin: not applicable. Functional consequence: retained intron. Not counted in ClinVar's aggregate classification.

Dr. Peter K. Rogan Lab, Western University
No classification provided (evidence only). Condition: Acute myeloid leukemia. Review status: no classification provided. Collection method: in vitro. Allele origin: not applicable. Functional consequence: retained intron. Not counted in ClinVar's aggregate classification.

Dr. Peter K. Rogan Lab, Western University
No classification provided (evidence only). Condition: Acute myeloid leukemia. Review status: no classification provided. Collection method: in vitro. Allele origin: not applicable. Functional consequence: retained intron. Not counted in ClinVar's aggregate classification.

Dr. Peter K. Rogan Lab, Western University
No classification provided (evidence only). Condition: Acute myeloid leukemia. Review status: no classification provided. Collection method: in vitro. Allele origin: not applicable. Functional consequence: retained intron. Not counted in ClinVar's aggregate classification.

Dr. Peter K. Rogan Lab, Western University
No classification provided (evidence only). Condition: Acute myeloid leukemia. Review status: no classification provided. Collection method: in vitro. Allele origin: not applicable. Functional consequence: retained intron. Not counted in ClinVar's aggregate classification.

Dr. Peter K. Rogan Lab, Western University
No classification provided (evidence only). Condition: Colon adenocarcinoma. Review status: no classification provided. Collection method: in vitro. Allele origin: not applicable. Functional consequence: retained intron. Not counted in ClinVar's aggregate classification.

Dr. Peter K. Rogan Lab, Western University
No classification provided (evidence only). Condition: Colon adenocarcinoma. Review status: no classification provided. Collection method: in vitro. Allele origin: not applicable. Functional consequence: retained intron. Not counted in ClinVar's aggregate classification.

Dr. Peter K. Rogan Lab, Western University
No classification provided (evidence only). Condition: Colon adenocarcinoma. Review status: no classification provided. Collection method: in vitro. Allele origin: not applicable. Functional consequence: retained intron. Not counted in ClinVar's aggregate classification.

Dr. Peter K. Rogan Lab, Western University
No classification provided (evidence only). Condition: Colon adenocarcinoma. Review status: no classification provided. Collection method: in vitro. Allele origin: not applicable. Functional consequence: retained intron. Not counted in ClinVar's aggregate classification.

Dr. Peter K. Rogan Lab, Western University
No classification provided (evidence only). Condition: Colon adenocarcinoma. Review status: no classification provided. Collection method: in vitro. Allele origin: not applicable. Functional consequence: retained intron. Not counted in ClinVar's aggregate classification.

Dr. Peter K. Rogan Lab, Western University
No classification provided (evidence only). Condition: Colon adenocarcinoma. Review status: no classification provided. Collection method: in vitro. Allele origin: not applicable. Functional consequence: retained intron. Not counted in ClinVar's aggregate classification.

NM_002641.4(PIGA):c.55C>T (p.Arg19Trp)

Gene: PIGA (phosphatidylinositol glycan anchor biosynthesis class A; minus strand). Cytogenetic location: Xp22.2.
Variant type: single nucleotide variant.
Coding change: c.55C>T on transcript NM_002641.4 (MANE Select); coding-DNA position 55, C replaced by T.
Protein change: p.Arg19Trp; replaces arginine 19 with tryptophan.
Molecular consequence: missense variant. On other transcripts: non-coding transcript variant (2), intron variant (1).
Genome position (GRCh38, 1-based): chrX:15,331,876, G>A on the plus strand (C>T on the coding strand, the complement: PIGA is on the minus strand). VCF-style: chrX-15331876-G-A. GRCh37 (hg19) VCF-style: chrX-15349998-G-A.
Other names: p.Arg19Trp; c.13+3625C>T (NM_020473.3); short protein forms R19W.
Identifiers: ClinVar variation 380857 (VCV000380857.20), dbSNP rs34422225, ClinGen allele CA10354194.
Genomic context (GRCh38, chrX:15,331,876, plus strand): 5'-ATACCATGCATATATTATGGGTACGGGTTCTACATGTGTAAAGACTTCCAGGGCTAACCC[G>A]AGAGAGTGTAGCTGAGGCACGGTGGCCATTCCCAGCTCCTCCTCTACAGGCCATGCTGAG-3'
Protein context (NP_002632.1, residues 9-29): NGHRASATLS[Arg19Trp]VSPGSLYTCR